The following is an entry in ClinVar:

ClinVar aggregate classification (germline): Uncertain significance (1 of 4 stars; one submission).

Conditions:
Short-rib thoracic dysplasia 8 with or without polydactyly (SRTD8). Also called: SHORT-RIB THORACIC DYSPLASIA 8 WITH POLYDACTYLY. Identifiers: Orphanet 93271, MedGen C3809691, MONDO:0014214, OMIM 615503.

Submission:

Labcorp Genetics (formerly Invitae), Labcorp
Classification: Uncertain significance for Short-rib thoracic dysplasia 8 with or without polydactyly. Last evaluated: 2023-07-21. Review status: criteria provided, single submitter. Criteria: Invitae Variant Classification Sherloc (09022015). Collection method: clinical testing. Allele origin: germline.
Comment: This variant is not present in population databases (gnomAD no frequency). This sequence change replaces asparagine, which is neutral and polar, with isoleucine, which is neutral and non-polar, at codon 1000 of the WDR60 protein (p.Asn1000Ile). This variant has not been reported in the literature in individuals affected with WDR60-related conditions. ClinVar contains an entry for this variant (Variation ID: 1680732). An algorithm developed to predict the effect of missense changes on protein structure and function (PolyPhen-2) suggests that this variant is likely to be tolerated. In summary, the available evidence is currently insufficient to determine the role of this variant in disease. Therefore, it has been classified as a Variant of Uncertain Significance.

NM_018051.5(DYNC2I1):c.2999A>T (p.Asn1000Ile)

Gene: DYNC2I1 (dynein 2 intermediate chain 1; plus strand). Cytogenetic location: 7q36.3.
Variant type: single nucleotide variant.
Coding change: c.2999A>T on transcript NM_018051.5 (MANE Select); coding-DNA position 2999, A replaced by T.
Protein change: p.Asn1000Ile; replaces asparagine 1000 with isoleucine.
Molecular consequence: missense variant.
Genome position (GRCh38, 1-based): chr7:158,942,145, A>T. VCF-style: chr7-158942145-A-T. GRCh37 (hg19) VCF-style: chr7-158734836-A-T.
Other names: c.2861A>T, p.Asn954Ile (NM_001350914.2); c.2426A>T, p.Asn809Ile (NM_001350915.2); c.1538A>T, p.Asn513Ile (NM_001350916.2); c.1751A>T, p.Asn584Ile (NM_001350917.2, NM_001350918.2); short protein forms N1000I, N513I, N584I, N809I, N954I.
Identifiers: ClinVar variation 1680732 (VCV001680732.8), dbSNP rs749324450, ClinGen allele CA370191258.